The following is an entry in ClinVar:

NM_002439.5(MSH3):c.714A>C (p.Glu238Asp)

Gene: MSH3 (mutS homolog 3; plus strand). Cytogenetic location: 5q14.1.
Variant type: single nucleotide variant.
Coding change: c.714A>C on transcript NM_002439.5 (MANE Select); coding-DNA position 714, A replaced by C.
Protein change: p.Glu238Asp; replaces glutamic acid 238 with aspartic acid.
Molecular consequence: missense variant.
Genome position (GRCh38, 1-based): chr5:80,670,231, A>C. VCF-style: chr5-80670231-A-C. GRCh37 (hg19) VCF-style: chr5-79966050-A-C.
Other names: short protein forms E238D.
Identifiers: ClinVar variation 3222310 (VCV003222310.1), dbSNP rs2546721180, ClinGen allele CA360266851.

ClinVar aggregate classification (germline): Uncertain significance (1 of 4 stars; one submission).

Conditions:
Hereditary cancer-predisposing syndrome. Also called: Tumor predisposition; Hereditary neoplastic syndrome; Hereditary Cancer Syndrome; Neoplastic Syndromes, Hereditary. Identifiers: Orphanet 140162, MedGen C0027672, MeSH D009386, MONDO:0015356.

Submission:

Ambry Genetics
Classification: Uncertain significance for Hereditary cancer-predisposing syndrome. Last evaluated: 2023-10-09. Review status: criteria provided, single submitter. Criteria: Ambry Variant Classification Scheme 2023. Collection method: clinical testing. Allele origin: germline.
Comment: The p.E238D variant (also known as c.714A>C), located in coding exon 4 of the MSH3 gene, results from an A to C substitution at nucleotide position 714. The glutamic acid at codon 238 is replaced by aspartic acid, an amino acid with highly similar properties. This amino acid position is conserved. In addition, this alteration is predicted to be tolerated by in silico analysis. Since supporting evidence is limited at this time, the clinical significance of this alteration remains unclear.